The following is an entry in ClinVar:

ClinVar aggregate classification (germline): Uncertain significance (1 of 4 stars; one submission).

Conditions:
Hereditary cancer-predisposing syndrome. Also called: Tumor predisposition; Neoplastic Syndromes, Hereditary; Hereditary Cancer Syndrome; Hereditary neoplastic syndrome. Identifiers: Orphanet 140162, MedGen C0027672, MeSH D009386, MONDO:0015356.

Submission:

Ambry Genetics
Classification: Uncertain significance for Hereditary cancer-predisposing syndrome. Last evaluated: 2024-12-11. Review status: criteria provided, single submitter. Criteria: Ambry Variant Classification Scheme 2023. Collection method: clinical testing. Allele origin: germline.
Comment: The p.P1514Q variant (also known as c.4541C>A), located in coding exon 15 of the APC gene, results from a C to A substitution at nucleotide position 4541. The proline at codon 1514 is replaced by glutamine, an amino acid with similar properties. This amino acid position is conserved. In addition, in silico predictors for this gene do not accurately predict pathogenicity. Based on the available evidence, the clinical significance of this variant remains unclear.

NM_000038.6(APC):c.4541C>A (p.Pro1514Gln)

Gene: APC (APC regulator of Wnt signaling pathway; plus strand). Cytogenetic location: 5q22.2.
Variant type: single nucleotide variant.
Coding change: c.4541C>A on transcript NM_000038.6 (MANE Select); coding-DNA position 4541, C replaced by A.
Protein change: p.Pro1514Gln; replaces proline 1514 with glutamine.
Molecular consequence: missense variant. On other transcripts: non-coding transcript variant (2).
Genome position (GRCh38, 1-based): chr5:112,840,135, C>A. VCF-style: chr5-112840135-C-A. GRCh37 (hg19) VCF-style: chr5-112175832-C-A.
Other names: c.4541C>A, p.Pro1514Gln (NM_001407450.1, NM_001127510.3, NM_001354895.2); c.4520C>A, p.Pro1507Gln (NM_001407451.1); c.4511C>A, p.Pro1504Gln (NM_001407452.1); c.4364C>A, p.Pro1455Gln (NM_001407453.1, NM_001354901.2); c.4292C>A, p.Pro1431Gln (NM_001407454.1, NM_001407455.1, NM_001407456.1 and 1 more transcripts); c.4487C>A, p.Pro1496Gln (NM_001127511.3); c.4595C>A, p.Pro1532Gln (NM_001354896.2, NM_001407447.1, NM_001407448.1 and 1 more transcripts); c.4571C>A, p.Pro1524Gln (NM_001354897.2); and 11 more; short protein forms P1413Q, P1455Q, P1354Q, P1423Q, P1431Q, P1496Q, P1504Q, P1542Q.
Identifiers: ClinVar variation 3881149 (VCV003881149.1).